The following is an entry in ClinVar:

NM_001077653.2(TBX20):c.381-21CT[7]

Gene: TBX20 (T-box transcription factor 20; minus strand). Cytogenetic location: 7p14.2.
Variant type: Microsatellite.
Coding change: c.381-21CT[7] on transcript NM_001077653.2 (MANE Select); seven copies in a row of the 2-base unit CT starting at c.381-21; the reference has eight copies in a row; one copy, 2 bases deleted.
Molecular consequence: intron variant.
Genome position (GRCh38, 1-based): chr7:35,248,847-35,248,848, AG deleted on the plus strand (CT on the coding strand, the reverse complement: TBX20 is on the minus strand); deleting any 2 consecutive bases within chr7:35,248,847-35,248,863 gives the same sequence; the position shown is the placement nearest the transcript's 3' end. VCF-style (leftmost placement, unchanged base first): chr7-35248846-CAG-C. GRCh37 (hg19) VCF-style: chr7-35288458-CAG-C.
Other names: NC_000007.13:g.35288474_35288475del; p.?; c.381-21CT[7] (NM_001166220.1); c.381-7_381-6delCT (NM_001077653.2); c.381-22_381-21del (NM_001077653.2); c.381-7_381-6del (NM_001077653.2).
Identifiers: ClinVar variation 1651654 (VCV001651654.14), dbSNP rs147314121, ClinGen allele CA4217516.

ClinVar aggregate classification (germline): Benign/Likely benign. Review status: criteria provided, multiple submitters, no conflicts (2 of 4 stars). 5 submissions from 5 submitters: Benign (1); Likely benign (3). 1 of the submissions does not count toward it. Last evaluated 2025-12-14.

Conditions:
Cardiovascular phenotype. Identifiers: MedGen CN230736.
TBX20-related disorder. Also called: TBX20-related condition.

Submissions (7):

Mayo Clinic Laboratories, Mayo Clinic
Classification: Likely benign. Last evaluated: 2025-12-14. Review status: criteria provided, single submitter. Criteria: ACMG Guidelines, 2015. Collection method: clinical testing. Allele origin: germline. Observed: 9 variant alleles.
Comment: BS1, BP4, BP7

Labcorp Genetics (formerly Invitae), Labcorp
Classification: Benign. Last evaluated: 2025-08-16. Review status: criteria provided, single submitter. Criteria: Invitae Variant Classification Sherloc (09022015). Collection method: clinical testing. Allele origin: germline.

Blueprint Genetics
Classification: Likely benign. Last evaluated: 2024-11-27. Review status: criteria provided, single submitter. Criteria: ACMG Guidelines, 2015. Collection method: clinical testing. Allele origin: germline.

Ambry Genetics
Classification: Likely benign for Cardiovascular phenotype. Last evaluated: 2015-07-01. Review status: criteria provided, single submitter. Criteria: Ambry Variant Classification Scheme 2023. Collection method: clinical testing. Allele origin: germline.

PreventionGenetics, part of Exact Sciences
Classification: Benign for TBX20-related condition. Last evaluated: 2019-07-26. Review status: no assertion criteria provided. Collection method: clinical testing. Allele origin: germline. Not counted in ClinVar's aggregate classification.
Comment: This variant is classified as benign based on ACMG/AMP sequence variant interpretation guidelines (Richards et al. 2015 PMID: 25741868, with internal and published modifications).

Dr. Peter K. Rogan Lab, Western University
No classification provided (evidence only). Condition: Familial cancer of breast. Review status: no classification provided. Collection method: in vitro. Allele origin: not applicable. Functional consequence: retained intron. Not counted in ClinVar's aggregate classification.

Dr. Peter K. Rogan Lab, Western University
No classification provided (evidence only). Condition: Familial cancer of breast. Review status: no classification provided. Collection method: in vitro. Allele origin: not applicable. Functional consequence: skipped exon. Not counted in ClinVar's aggregate classification.